The following is an entry in ClinVar:

ClinVar aggregate classification (germline): Conflicting classifications of pathogenicity. Review status: criteria provided, conflicting classifications (1 of 4 stars). 4 submissions from 3 submitters: Pathogenic (1); Uncertain significance (2). 1 of the submissions does not count toward it. Last evaluated 2022-09-19.

Conditions:
Intellectual developmental disorder, autosomal recessive 37. Also called: Intellectual disability-hypotonia-spasticity-sleep disorder syndrome. Identifiers: Orphanet 356996, MedGen C3809672, MONDO:0014210, OMIM 615493.

Allele frequency attached by ClinVar (database versions not stated): gnomAD exomes below 0.00001.
gnomAD v4.1: 2 of 1,609,814 alleles (0.00012%); highest among the groups gnomAD compares: Non-Finnish European, 0.000085%; no homozygotes.

Submissions (4):

Labcorp Genetics (formerly Invitae), Labcorp
Classification: Uncertain significance. Last evaluated: 2022-09-19. Review status: criteria provided, single submitter. Criteria: Invitae Variant Classification Sherloc (09022015). Collection method: clinical testing. Allele origin: germline.
Comment: In summary, the available evidence is currently insufficient to determine the role of this variant in disease. Therefore, it has been classified as a Variant of Uncertain Significance. Advanced modeling of protein sequence and biophysical properties (such as structural, functional, and spatial information, amino acid conservation, physicochemical variation, residue mobility, and thermodynamic stability) performed at Invitae indicates that this missense variant is expected to disrupt ANK3 protein function. ClinVar contains an entry for this variant (Variation ID: 162094). This variant has not been reported in the literature in individuals affected with ANK3-related conditions. This variant is present in population databases (rs730882195, gnomAD 0.0009%). This sequence change replaces aspartic acid, which is acidic and polar, with histidine, which is basic and polar, at codon 968 of the ANK3 protein (p.Asp968His).

Genomic Research Center, Shahid Beheshti University of Medical Sciences
Classification: Uncertain significance for Mental retardation, autosomal recessive 37. Last evaluated: 2019-01-01. Review status: criteria provided, single submitter. Criteria: ACMG Guidelines, 2015. Collection method: clinical testing. Allele origin: unknown. Affected: no. Observed: 1 variant allele.

Clinical Genetics and Genomics, Karolinska University Hospital
Classification: Pathogenic. Last evaluated: 2014-10-17. Review status: criteria provided, single submitter. Criteria: ACMG Guidelines, 2015. Collection method: clinical testing. Allele origin: germline. Affected: yes. Observed: 4 variant alleles.

Clinical Genetics and Genomics, Karolinska University Hospital
Classification: Likely pathogenic for Mental retardation, autosomal recessive 37. Last evaluated: 2014-11-24. Review status: flagged submission. Collection method: clinical testing. Allele origin: germline. Affected: no. Observed: 2 homozygotes. Not counted in ClinVar's aggregate classification.
ClinVar note: Reason: This record appears to be redundant with a more recent record from the same submitter.
ClinVar note: Notes: SCV000195550 appears to be redundant with SCV001449570.

NM_020987.5(ANK3):c.2902G>C (p.Asp968His)

Gene: ANK3 (ankyrin 3; minus strand). Cytogenetic location: 10q21.2.
Variant type: single nucleotide variant.
Coding change: c.2902G>C on transcript NM_020987.5 (MANE Select); coding-DNA position 2902, G replaced by C.
Protein change: p.Asp968His; replaces aspartic acid 968 with histidine.
Molecular consequence: missense variant.
Genome position (GRCh38, 1-based): chr10:60,114,271, C>G on the plus strand (G>C on the coding strand, the complement: ANK3 is on the minus strand). VCF-style: chr10-60114271-C-G. GRCh37 (hg19) VCF-style: chr10-61874029-C-G.
Other names: c.304G>C, p.Asp102His (NM_001149.4); c.2884G>C, p.Asp962His (NM_001204403.2); c.2905G>C, p.Asp969His (NM_001204404.2); c.2902G>C, p.Asp968His (NM_001320874.2); short protein forms D962H, D968H, D969H, D102H.
Identifiers: ClinVar variation 162094 (VCV000162094.13), dbSNP rs730882195, ClinGen allele CA186036.